The following is an entry in ClinVar:

NM_001122659.3(EDNRB):c.733A>G (p.Met245Val)

Genes: EDNRB (endothelin receptor type B; minus strand), EDNRB-AS1 (EDNRB antisense RNA 1; plus strand). Cytogenetic location: 13q22.3.
Variant type: single nucleotide variant.
Coding change: c.733A>G on transcript NM_001122659.3 (MANE Select); coding-DNA position 733, A replaced by G.
Protein change: p.Met245Val; replaces methionine 245 with valine.
Molecular consequence: missense variant.
Genome position (GRCh38, 1-based): chr13:77,903,224, T>C on the plus strand (A>G on the coding strand, the complement: EDNRB is on the minus strand). VCF-style: chr13-77903224-T-C. GRCh37 (hg19) VCF-style: chr13-78477359-T-C.
Other names: c.733A>G, p.Met245Val (NM_000115.5, NM_003991.4); c.1003A>G, p.Met335Val (NM_001201397.2); short protein forms M245V, M335V.
Identifiers: ClinVar variation 2758267 (VCV002758267.3), dbSNP rs2501546686, ClinGen allele CA388450672.

ClinVar aggregate classification (germline): Uncertain significance (1 of 4 stars; one submission).

Submission:

Labcorp Genetics (formerly Invitae), Labcorp
Classification: Uncertain significance. Last evaluated: 2023-07-25. Review status: criteria provided, single submitter. Criteria: Invitae Variant Classification Sherloc (09022015). Collection method: clinical testing. Allele origin: germline.
Comment: This sequence change replaces methionine, which is neutral and non-polar, with valine, which is neutral and non-polar, at codon 245 of the EDNRB protein (p.Met245Val). This variant is not present in population databases (gnomAD no frequency). This variant has not been reported in the literature in individuals affected with EDNRB-related conditions. Advanced modeling of protein sequence and biophysical properties (such as structural, functional, and spatial information, amino acid conservation, physicochemical variation, residue mobility, and thermodynamic stability) performed at Invitae indicates that this missense variant is not expected to disrupt EDNRB protein function. In summary, the available evidence is currently insufficient to determine the role of this variant in disease. Therefore, it has been classified as a Variant of Uncertain Significance.